The following is an entry in ClinVar:

NM_000529.2(MC2R):c.*1877A>G

Gene: MC2R (melanocortin 2 receptor; minus strand). Cytogenetic location: 18p11.21.
Variant type: single nucleotide variant.
Coding change: c.*1877A>G on transcript NM_000529.2 (MANE Select); 1877 bases downstream of the stop codon, A replaced by G.
Molecular consequence: 3 prime UTR variant.
Genome position (GRCh38, 1-based): chr18:13,882,748, T>C on the plus strand (A>G on the coding strand, the complement: MC2R is on the minus strand). VCF-style: chr18-13882748-T-C. GRCh37 (hg19) VCF-style: chr18-13882747-T-C.
Other names: c.*1877A>G (NM_001291911.1).
Identifiers: ClinVar variation 326134 (VCV000326134.5), dbSNP rs28926187, ClinGen allele CA10651375.
Genomic context (GRCh38, chr18:13,882,748, plus strand): 5'-CATTGCAGCATCAAAAAAAGGTTACCTCTTATTGAGAATACGCACTTTAATCACATAAAA[T>C]ATGTTATACATTACTTTTTCAATGGTAGAAATAACACTTTTAAAAATTAGTTCTAGGGTT-3'

ClinVar aggregate classification (germline): Benign (1 of 4 stars; one submission).

Conditions:
Glucocorticoid deficiency 1 (GCCD1). Also called: FAMILIAL GLUCOCORTICOID DEFICIENCY 1; Adrenal unresponsiveness to acth; Glucocorticoid deficiency, due to ACTH unresponsiveness. Identifiers: Orphanet 361, MedGen C4049650, MONDO:0024536, OMIM 202200.

Allele frequency attached by ClinVar (database versions not stated): 1000 Genomes Project 0.01358; gnomAD 0.01452 and 0.01558; 1000 Genomes Project 30x 0.01530; TOPMed 0.01669.

Submission:

Illumina Laboratory Services, Illumina
Classification: Benign for Glucocorticoid deficiency 1. Last evaluated: 2018-01-13. Review status: criteria provided, single submitter. Criteria: ICSL Variant Classification Criteria 13 December 2019. Collection method: clinical testing. Allele origin: germline.
Comment: This variant was observed in the ICSL laboratory as part of a predisposition screen in an ostensibly healthy population. It had not been previously curated by ICSL or reported in the Human Gene Mutation Database (HGMD: prior to June 1st, 2018), and was therefore a candidate for classification through an automated scoring system. Utilizing variant allele frequency, disease prevalence and penetrance estimates, and inheritance mode, an automated score was calculated to assess if this variant is too frequent to cause the disease. Based on the score and internal cut-off values, a variant classified as benign is not then subjected to further curation. The score for this variant resulted in a classification of benign for this disease.